The following is an entry in ClinVar:

NM_001723.7(DST):c.7636A>G (p.Ile2546Val)

Gene: DST (dystonin; minus strand). Cytogenetic location: 6p12.1.
Variant type: single nucleotide variant.
Coding change: c.7636A>G on transcript NM_001723.7 (MANE Plus Clinical); coding-DNA position 7636, A replaced by G.
Protein change: p.Ile2546Val; replaces isoleucine 2546 with valine.
Molecular consequence: missense variant. On other transcripts: intron variant (10).
Genome position (GRCh38, 1-based): chr6:56,615,831, T>C on the plus strand (A>G on the coding strand, the complement: DST is on the minus strand). VCF-style: chr6-56615831-T-C. GRCh37 (hg19) VCF-style: chr6-56480629-T-C.
Other names: c.4831-1347A>G (NM_001144769.5); c.4930-1347A>G (NM_001374722.1, NM_001374736.1); c.4957-1347A>G (NM_001374734.1); c.4417-1347A>G (NM_001144770.2); c.4297-1347A>G (NM_001374730.1, NM_001386100.1, NM_183380.4 and 1 more transcripts); c.3319-1347A>G (NM_015548.5); short protein forms I2546V.
Identifiers: ClinVar variation 2114792 (VCV002114792.4), dbSNP rs1028376097, ClinGen allele CA139205092.

ClinVar aggregate classification (germline): Uncertain significance (1 of 4 stars; one submission).

Conditions:
Hereditary sensory and autonomic neuropathy type 6. Also called: HSAN VI; Neuropathy, hereditary sensory and autonomic, type VI. Identifiers: Orphanet 314381, MedGen C3539003, MONDO:0013839, OMIM 614653.
Epidermolysis bullosa simplex 3, localized or generalized intermediate, with BP230 deficiency (EBS3). Also called: Epidermolysis bullosa simplex, autosomal recessive 2; Epidermolysis bullosa simplex due to BP230 deficiency. Identifiers: Orphanet 412181, MedGen C3809470, MONDO:0014180, OMIM 615425.

Allele frequency attached by ClinVar (database versions not stated): gnomAD exomes below 0.00001.
gnomAD v4.1: 1 of 1,614,178 alleles (0.000062%); highest among the groups gnomAD compares: Non-Finnish European, 0.000085%; no homozygotes.

Submission:

Labcorp Genetics (formerly Invitae), Labcorp
Classification: Uncertain significance for Epidermolysis bullosa simplex 3, localized or generalized intermediate, with BP230 deficiency; Hereditary sensory and autonomic neuropathy type 6. Last evaluated: 2022-03-20. Review status: criteria provided, single submitter. Criteria: Invitae Variant Classification Sherloc (09022015). Collection method: clinical testing. Allele origin: germline.
Comment: This sequence change replaces isoleucine, which is neutral and non-polar, with valine, which is neutral and non-polar, at codon 2546 of the DST protein (p.Ile2546Val). This variant is not present in population databases (gnomAD no frequency). This variant has not been reported in the literature in individuals affected with DST-related conditions. Algorithms developed to predict the effect of missense changes on protein structure and function (SIFT, PolyPhen-2, Align-GVGD) all suggest that this variant is likely to be tolerated. In summary, the available evidence is currently insufficient to determine the role of this variant in disease. Therefore, it has been classified as a Variant of Uncertain Significance.